The following is an entry in ClinVar:

NM_017654.4(SAMD9):c.992A>G (p.Lys331Arg)

Gene: SAMD9 (sterile alpha motif domain containing 9; minus strand). Cytogenetic location: 7q21.2.
Variant type: single nucleotide variant.
Coding change: c.992A>G on transcript NM_017654.4 (MANE Select); coding-DNA position 992, A replaced by G.
Protein change: p.Lys331Arg; replaces lysine 331 with arginine.
Molecular consequence: missense variant.
Genome position (GRCh38, 1-based): chr7:93,105,106, T>C on the plus strand (A>G on the coding strand, the complement: SAMD9 is on the minus strand). VCF-style: chr7-93105106-T-C. GRCh37 (hg19) VCF-style: chr7-92734419-T-C.
Other names: c.992A>G, p.Lys331Arg (NM_001193307.2); short protein forms K331R.
Identifiers: ClinVar variation 2103896 (VCV002103896.4), dbSNP rs2535361463, ClinGen allele CA368202815.

ClinVar aggregate classification (germline): Uncertain significance (1 of 4 stars; one submission).

Submission:

Labcorp Genetics (formerly Invitae), Labcorp
Classification: Uncertain significance. Last evaluated: 2022-02-27. Review status: criteria provided, single submitter. Criteria: Invitae Variant Classification Sherloc (09022015). Collection method: clinical testing. Allele origin: germline.
Comment: This sequence change replaces lysine, which is basic and polar, with arginine, which is basic and polar, at codon 331 of the SAMD9 protein (p.Lys331Arg). This variant is not present in population databases (gnomAD no frequency). This variant has not been reported in the literature in individuals affected with SAMD9-related conditions. Algorithms developed to predict the effect of missense changes on protein structure and function output the following: SIFT: "Tolerated"; PolyPhen-2: "Benign"; Align-GVGD: "Class C0". The arginine amino acid residue is found in multiple mammalian species, which suggests that this missense change does not adversely affect protein function. In summary, the available evidence is currently insufficient to determine the role of this variant in disease. Therefore, it has been classified as a Variant of Uncertain Significance.